The following is an entry in ClinVar:

ClinVar aggregate classification (germline): Pathogenic/Likely pathogenic. Review status: criteria provided, multiple submitters, no conflicts (2 of 4 stars). 2 submissions from 2 submitters: Pathogenic (1); Likely pathogenic (1). Last evaluated 2025-07-08.

Conditions:
Asphyxiating thoracic dystrophy 3. Also called: SHORT-RIB THORACIC DYSPLASIA 3 WITH OR WITHOUT POLYDACTYLY; POLYDACTYLY WITH NEONATAL CHONDRODYSTROPHY, TYPE I; SHORT-RIB THORACIC DYSPLASIA 3/6 WITH POLYDACTYLY, DIGENIC; Short rib polydactyly syndrome 2B; Saldino-Noonan Syndrome. Identifiers: Orphanet 474, Orphanet 93269, Orphanet 93270, Orphanet 93271, MedGen C0036069, MONDO:0013127, OMIM 613091.

Submissions (2):

Myriad Genetics, Inc.
Classification: Pathogenic for Asphyxiating thoracic dystrophy 3. Last evaluated: 2025-07-08. Review status: criteria provided, single submitter. Criteria: Myriad Autosomal Dominant, Autosomal Recessive and X-Linked Classification Criteria (2023). Collection method: clinical testing. Allele origin: unknown.
Comment: NM_001377.2(DYNC2H1):c.11565dupA(D3856Rfs*2) is a frameshift variant classified as pathogenic in the context of DYNC2H1-related disorders. D3856Rfs*2 has not been observed in cases with relevant disease. Relevant functional assessments of this variant are not available in the literature. D3856Rfs*2 has not been observed in referenced population frequency databases. In summary, NM_001377.2(DYNC2H1):c.11565dupA(D3856Rfs*2) is a frameshift variant in a gene where loss of function is a known mechanism of disease and is predicted to disrupt protein function. Please note: this variant was assessed in the context of healthy population screening.

Fulgent Genetics
Classification: Likely pathogenic for Asphyxiating thoracic dystrophy 3. Last evaluated: 2024-02-10. Review status: criteria provided, single submitter. Criteria: ACMG Guidelines, 2015. Collection method: clinical testing. Allele origin: germline.

NM_001377.3(DYNC2H1):c.11565dup (p.Asp3856fs)

Gene: DYNC2H1 (dynein cytoplasmic 2 heavy chain 1; plus strand). Cytogenetic location: 11q22.3.
Variant type: Duplication.
Coding change: c.11565dup on transcript NM_001377.3 (MANE Select); coding-DNA position 11565, one base duplicated (A; older notation c.11565dupA).
Protein change: p.Asp3856fs; shifts the reading frame from aspartic acid 3856.
Molecular consequence: frameshift variant.
Genome position (GRCh38, 1-based): chr11:103,311,949, A duplicated; the last of 6 consecutive A bases (chr11:103,311,944-103,311,949); duplicating any one gives the same sequence. VCF-style (leftmost placement, unchanged base first): chr11-103311943-C-CA. GRCh37 (hg19) VCF-style: chr11-103182672-C-CA.
Other names: c.11586dup, p.Asp3863fs (NM_001080463.2); short protein forms D3856fs, D3863fs.
Identifiers: ClinVar variation 3598907 (VCV003598907.2).
Genomic context (GRCh38, chr11:103,311,943, plus strand): 5'-TCCAGGTTTAAAGAAGAATTTAATGCGTACTTATGAGTCTTGGACTCCTGAGCAAATTAG[C>CA]AAAAAAGATAATACACATCGAGCTCATGCTCTCTTCAGTCTTGCATGGTTTCATGCTGCA-3'